The following is an entry in ClinVar:

ClinVar aggregate classification (germline): Uncertain significance (1 of 4 stars; one submission).

Submission:

Labcorp Genetics (formerly Invitae), Labcorp
Classification: Uncertain significance. Last evaluated: 2025-01-02. Review status: criteria provided, single submitter. Criteria: Invitae Variant Classification Sherloc (09022015). Collection method: clinical testing. Allele origin: germline.
Comment: This sequence change replaces alanine, which is neutral and non-polar, with valine, which is neutral and non-polar, at codon 1303 of the ARHGAP31 protein (p.Ala1303Val). This variant is present in population databases (rs376640443, gnomAD 0.02%). This variant has not been reported in the literature in individuals affected with ARHGAP31-related conditions. An algorithm developed to predict the effect of missense changes on protein structure and function (PolyPhen-2) suggests that this variant is likely to be tolerated. In summary, the available evidence is currently insufficient to determine the role of this variant in disease. Therefore, it has been classified as a Variant of Uncertain Significance.

NM_020754.4(ARHGAP31):c.3908C>T (p.Ala1303Val)

Gene: ARHGAP31 (Rho GTPase activating protein 31; plus strand). Cytogenetic location: 3q13.33.
Variant type: single nucleotide variant.
Coding change: c.3908C>T on transcript NM_020754.4 (MANE Select); coding-DNA position 3908, C replaced by T.
Protein change: p.Ala1303Val; replaces alanine 1303 with valine.
Molecular consequence: missense variant.
Genome position (GRCh38, 1-based): chr3:119,415,837, C>T. VCF-style: chr3-119415837-C-T. GRCh37 (hg19) VCF-style: chr3-119134684-C-T.
Other names: short protein forms A1303V.
Identifiers: ClinVar variation 3610437 (VCV003610437.2).